The following is an entry in ClinVar:

ClinVar aggregate classification (germline): Uncertain significance. Review status: criteria provided, multiple submitters, no conflicts (2 of 4 stars). 2 submissions from 2 submitters: Uncertain significance (2). Last evaluated 2023-10-31.

Conditions:
Cardiac arrhythmia. Also called: Cardiac rhythm disease; Arrhythmia. Identifiers: MedGen C0003811, MONDO:0007263, HP:0011675.

Allele frequency attached by ClinVar (database versions not stated): gnomAD 0.00001; gnomAD exomes 0.00001 and 0.00003; ExAC 0.00004; 1000 Genomes Project 30x 0.00016; 1000 Genomes Project 0.00020.
gnomAD v4.1: 20 of 1,612,778 alleles (0.0012%); highest among the groups gnomAD compares: South Asian, 0.019%; no homozygotes.

Submissions (2):

Blueprint Genetics
Classification: Uncertain significance. Last evaluated: 2023-10-31. Review status: criteria provided, single submitter. Criteria: ACMG Guidelines, 2015. Collection method: clinical testing. Allele origin: germline.

Color Diagnostics, LLC DBA Color Health
Classification: Uncertain significance for Cardiac arrhythmia. Last evaluated: 2021-02-19. Review status: criteria provided, single submitter. Criteria: ACMG Guidelines, 2015. Collection method: clinical testing. Allele origin: germline.
Comment: This missense variant replaces histidine with arginine at codon 240 of the KCNQ1 protein. Computational prediction suggests that this variant may have deleterious impact on protein structure and function (internally defined REVEL score threshold >= 0.7, PMID: 27666373). A functional study has shown that the mutant channel shows hyper-polarized ionic and gating current activation (PMID: 23359697). This variant has been reported in one case of sudden unexplained death and an individual affected with prolonged QT intervals in the same family (PMID: 26228265). This variant has been identified in 8/249160 chromosomes in the general population by the Genome Aggregation Database (gnomAD). The available evidence is insufficient to determine the role of this variant in disease conclusively. Therefore, this variant is classified as a Variant of Uncertain Significance.

NM_000218.3(KCNQ1):c.719A>G (p.His240Arg)

Gene: KCNQ1 (potassium voltage-gated channel subfamily Q member 1; plus strand). Cytogenetic location: 11p15.5.
Variant type: single nucleotide variant.
Coding change: c.719A>G on transcript NM_000218.3 (MANE Select); coding-DNA position 719, A replaced by G.
Protein change: p.His240Arg; replaces histidine 240 with arginine.
Molecular consequence: missense variant.
Genome position (GRCh38, 1-based): chr11:2,572,048, A>G. VCF-style: chr11-2572048-A-G. GRCh37 (hg19) VCF-style: chr11-2593278-A-G.
Other names: c.719A>G, p.His240Arg (NM_001406836.1); c.449A>G, p.His150Arg (NM_001406837.1); c.338A>G, p.His113Arg (NM_181798.2); short protein forms H113R, H240R, H150R.
Identifiers: ClinVar variation 1171337 (VCV001171337.6), dbSNP rs533669726, ClinGen allele CA040122.
Genomic context (GRCh38, chr11:2,572,048, plus strand): 5'-CAGCCCCACACCATCTCCTTCGCAGGGGCATCCGCTTCCTGCAGATCCTGAGGATGCTAC[A>G]CGTCGACCGCCAGGGAGGCACCTGGAGGCTCCTGGGCTCCGTGGTCTTCATCCACCGCCA-3'
Protein context (NP_000209.2, residues 230-250): IRFLQILRML[His240Arg]VDRQGGTWRL